The following is an entry in ClinVar:

NM_130839.5(UBE3A):c.176G>A (p.Arg59His)

Genes: SNHG14 (small nucleolar RNA host gene 14; plus strand), UBE3A (ubiquitin protein ligase E3A; minus strand). Cytogenetic location: 15q11.2.
Variant type: single nucleotide variant.
Coding change: c.176G>A on transcript NM_130839.5 (MANE Select); coding-DNA position 176, G replaced by A.
Protein change: p.Arg59His; replaces arginine 59 with histidine.
Molecular consequence: missense variant. On other transcripts: 5 prime UTR variant (1), non-coding transcript variant (1).
Genome position (GRCh38, 1-based): chr15:25,375,650, C>T on the plus strand (G>A on the coding strand, the complement: UBE3A is on the minus strand). VCF-style: chr15-25375650-C-T. GRCh37 (hg19) VCF-style: chr15-25620797-C-T.
Other names: NM_130839.5(UBE3A):c.176G>A; p.Arg59His; c.185G>A, p.Arg62His (NM_000462.5); c.176G>A, p.Arg59His (NM_001354505.1, NM_001354545.2, NM_001354550.2 and 1 more transcripts); c.116G>A, p.Arg39His (NM_001354506.2, NM_001354507.2, NM_001354508.2 and 18 more transcripts); c.-2G>A (NM_001354546.2); short protein forms R39H, R59H, R62H.
Identifiers: ClinVar variation 160202 (VCV000160202.13), dbSNP rs587784511, ClinGen allele CA173802.

ClinVar aggregate classification (germline): Uncertain significance. Review status: reviewed by expert panel (3 of 4 stars). 4 submissions from 4 submitters: Uncertain significance (1). 3 of the submissions do not count toward it. Last evaluated 2024-02-23.

Conditions:
Angelman syndrome (AS). Also called: HAPPY PUPPET SYNDROME. Identifiers: Orphanet 72, MedGen C0162635, MONDO:0007113, OMIM 105830. Disease mechanism: loss of function. Inheritance: AS is caused by disruption of maternally imprinted UBE3A located within the 15q11.2-q13 Angelman syndrome/Prader-Willi syndrome (AS/PWS) region., imprinting disorder.

Allele frequency attached by ClinVar (database versions not stated): ExAC 0.00001; gnomAD 0.00001; gnomAD exomes 0.00001; TOPMed 0.00002.
gnomAD v4.1: 5 of 1,613,958 alleles (0.00031%); highest among the groups gnomAD compares: Admixed American, 0.0017%; no homozygotes.

Submissions (4):

ClinGen Rett and Angelman-like Disorders Variant Curation Expert Panel
Classification: Uncertain significance for Angelman syndrome. Last evaluated: 2024-02-23. Review status: reviewed by expert panel. Criteria: ClinGen RettAS ACMG Specifications UBE3A V4.0.0. Collection method: curation. Allele origin: germline. Inheritance: Autosomal dominant inheritance.
Comment: The highest population minor allele frequency of the p.Arg39His variant in UBE3A (NM_130838.2) in gnomAD v4.1 is 0.00001667 in Admixed American population (not sufficient to meet BS1 criteria). In summary, the p.Arg39His variant in UBE3A (NM_130838.2) is classified as a variant of uncertain significance based on the ACMG/AMP criteria (no criteria met).

Labcorp Genetics (formerly Invitae), Labcorp
Classification: Likely benign for Angelman syndrome. Last evaluated: 2022-08-16. Review status: criteria provided, single submitter. Criteria: Invitae Variant Classification Sherloc (09022015). Collection method: clinical testing. Allele origin: germline. Not counted in ClinVar's aggregate classification.

Institute for Clinical Genetics, University Hospital TU Dresden, University Hospital TU Dresden
Classification: Uncertain significance. Last evaluated: 2021-11-03. Review status: criteria provided, single submitter. Criteria: ACMG Guidelines, 2015. Collection method: clinical testing. Allele origin: germline. Not counted in ClinVar's aggregate classification.

Genetic Services Laboratory, University of Chicago
Classification: Benign. Last evaluated: 2013-02-08. Review status: criteria provided, single submitter. Criteria: ACMG Guidelines, 2007. Collection method: clinical testing. Allele origin: germline. Inheritance: Autosomal dominant inheritance. Not counted in ClinVar's aggregate classification.